The following is an entry in ClinVar:

ClinVar aggregate classification (germline): Pathogenic. Review status: criteria provided, multiple submitters, no conflicts (2 of 4 stars). 2 submissions from 2 submitters: Pathogenic (2). Last evaluated 2025-05-22.

Conditions:
KBG syndrome (KBGS). Also called: ANKRD11-Related KBG Syndrome. Identifiers: Orphanet 2332, MedGen C0220687, MONDO:0007846, OMIM 148050.

Submissions (2):

Variantyx, Inc.
Classification: Pathogenic for KBG syndrome. Last evaluated: 2025-05-22. Review status: criteria provided, single submitter. Criteria: Variantyx Assertion Criteria 2022. Collection method: clinical testing. Allele origin: de novo. Inheritance: Autosomal dominant inheritance. Affected: yes.
Comment: This is a nonsense variant in the ANKRD11 gene (OMIM: 611192). Pathogenic variants in this gene have been associated with autosomal dominant KBG syndrome. This variant introduces a premature termination codon in exon 9 out of 13 and is expected to result in loss of function, which is a known disease mechanism for ANKRD11 in this disorder (PMID: 32725632) (PVS1). This alteration is absent from control populations (PM2). Based on the current evidence, this variant is classified as pathogenic for autosomal dominant KBG syndrome.Inter- and intrafamilial clinical variability has been described (PMID: 37665295).

Institute of Medical Genetics and Applied Genomics, University Hospital Tübingen
Classification: Pathogenic for KBG syndrome. Last evaluated: 2024-07-19. Review status: criteria provided, single submitter. Criteria: ACMG Guidelines, 2015. Collection method: clinical testing. Allele origin: germline. Inheritance: Autosomal dominant inheritance. Affected: yes.

Literature cited by the submitters: PubMed 32725632 (cited by Variantyx, Inc.).

NM_013275.6(ANKRD11):c.7323C>G (p.Tyr2441Ter)

Gene: ANKRD11 (ankyrin repeat domain 11; minus strand). Cytogenetic location: 16q24.3.
Variant type: single nucleotide variant.
Coding change: c.7323C>G on transcript NM_013275.6 (MANE Select); coding-DNA position 7323, C replaced by G.
Protein change: p.Tyr2441Ter; replaces tyrosine 2441 with a stop codon.
Molecular consequence: nonsense.
Genome position (GRCh38, 1-based): chr16:89,279,219, G>C on the plus strand (C>G on the coding strand, the complement: ANKRD11 is on the minus strand). VCF-style: chr16-89279219-G-C. GRCh37 (hg19) VCF-style: chr16-89345627-G-C.
Other names: c.7323C>G, p.Tyr2441Ter (NM_001256182.2, NM_001256183.2); short protein forms Y2441*.
Identifiers: ClinVar variation 3255228 (VCV003255228.2), dbSNP rs776613041.